The following is an entry in ClinVar:

ClinVar aggregate classification (germline): Uncertain significance (1 of 4 stars; one submission).

Conditions:
Developmental and epileptic encephalopathy, 53. Also called: Epileptic encephalopathy, early infantile, 53. Identifiers: MedGen C4479313, MONDO:0033362, OMIM 617389.
Early-onset Parkinson disease 20. Also called: PARKINSON DISEASE 20, AUTOSOMAL RECESSIVE EARLY-ONSET. Identifiers: Orphanet 391411, MedGen C3809824, MONDO:0014233, OMIM 615530.

Allele frequency attached by ClinVar (database versions not stated): gnomAD exomes 0.00001; TOPMed below 0.00001.
gnomAD v4.1: 8 of 1,613,170 alleles (0.0005%); highest among the groups gnomAD compares: Non-Finnish European, 0.00059%; no homozygotes.

Submission:

Labcorp Genetics (formerly Invitae), Labcorp
Classification: Uncertain significance for Developmental and epileptic encephalopathy, 53; Early-onset Parkinson disease 20. Last evaluated: 2021-09-01. Review status: criteria provided, single submitter. Criteria: Invitae Variant Classification Sherloc (09022015). Collection method: clinical testing. Allele origin: germline.
Comment: This sequence change replaces arginine with glutamine at codon 773 of the SYNJ1 protein (p.Arg773Gln). The arginine residue is highly conserved and there is a small physicochemical difference between arginine and glutamine. This variant is not present in population databases (ExAC no frequency). This variant has not been reported in the literature in individuals affected with SYNJ1-related conditions. Algorithms developed to predict the effect of missense changes on protein structure and function (SIFT, PolyPhen-2, Align-GVGD) all suggest that this variant is likely to be disruptive. In summary, the available evidence is currently insufficient to determine the role of this variant in disease. Therefore, it has been classified as a Variant of Uncertain Significance.

NM_203446.3(SYNJ1):c.2201G>A (p.Arg734Gln)

Gene: SYNJ1 (synaptojanin 1; minus strand). Cytogenetic location: 21q22.11.
Variant type: single nucleotide variant.
Coding change: c.2201G>A on transcript NM_203446.3 (MANE Select); coding-DNA position 2201, G replaced by A.
Protein change: p.Arg734Gln; replaces arginine 734 with glutamine.
Molecular consequence: missense variant.
Genome position (GRCh38, 1-based): chr21:32,665,016, C>T on the plus strand (G>A on the coding strand, the complement: SYNJ1 is on the minus strand). VCF-style: chr21-32665016-C-T. GRCh37 (hg19) VCF-style: chr21-34037326-C-T.
Other names: c.2201G>A, p.Arg734Gln (NM_001160302.2); c.2186G>A, p.Arg729Gln (NM_001160306.2); c.2318G>A, p.Arg773Gln (NM_003895.4); short protein forms R729Q, R734Q, R773Q.
Identifiers: ClinVar variation 1057755 (VCV001057755.6), dbSNP rs1404522896, ClinGen allele CA410077423.
Genomic context (GRCh38, chr21:32,665,016, plus strand): 5'-AGAGAATCCCAATTTTGCTGTCTTATGAGCTCTTTAACTTCTTCGTTAGGGAGATCGATT[C>T]GATAGTTGAAATCACCACACCAAAATACATAGTCATGGGAAAATAGCATCCTTCCCTGAA-3'
Protein context (NP_982271.3, residues 724-744): YVFWCGDFNY[Arg734Gln]IDLPNEEVKE